The following is an entry in ClinVar:

NM_016284.5(CNOT1):c.1771C>T (p.Arg591Cys)

Gene: CNOT1 (CCR4-NOT transcription complex subunit 1; minus strand). Cytogenetic location: 16q21.
Variant type: single nucleotide variant.
Coding change: c.1771C>T on transcript NM_016284.5 (MANE Select); coding-DNA position 1771, C replaced by T.
Protein change: p.Arg591Cys; replaces arginine 591 with cysteine.
Molecular consequence: missense variant. On other transcripts: non-coding transcript variant (1).
Genome position (GRCh38, 1-based): chr16:58,575,063, G>A on the plus strand (C>T on the coding strand, the complement: CNOT1 is on the minus strand). VCF-style: chr16-58575063-G-A. GRCh37 (hg19) VCF-style: chr16-58608967-G-A.
Other names: c.1771C>T, p.Arg591Cys (NM_001265612.2, NM_206999.3); short protein forms R591C.
Identifiers: ClinVar variation 4070774 (VCV004070774.1).

ClinVar aggregate classification (germline): Uncertain significance (1 of 4 stars; one submission).

gnomAD v4.1: 1 of 1,614,100 alleles (0.000062%); highest among the groups gnomAD compares: Non-Finnish European, 0.000085%; no homozygotes.

Submission:

GeneDx
Classification: Uncertain significance. Last evaluated: 2025-01-16. Review status: criteria provided, single submitter. Criteria: GeneDx Variant Classification Process June 2021. Collection method: clinical testing. Allele origin: germline. Affected: yes.
Comment: Not observed at significant frequency in large population cohorts (gnomAD); In silico analysis supports that this missense variant has a deleterious effect on protein structure/function; Has not been previously published as pathogenic or benign to our knowledge